The following is an entry in ClinVar:

ClinVar aggregate classification (germline): Uncertain significance (1 of 4 stars; one submission).

gnomAD v4.1: 6 of 1,614,200 alleles (0.00037%); highest among the groups gnomAD compares: Non-Finnish European, 0.00051%; no homozygotes.

Submission:

GeneDx
Classification: Uncertain significance. Last evaluated: 2024-02-21. Review status: criteria provided, single submitter. Criteria: GeneDx Variant Classification Process June 2021. Collection method: clinical testing. Allele origin: germline. Affected: yes.
Comment: Not observed at significant frequency in large population cohorts (gnomAD); In silico analysis supports that this missense variant has a deleterious effect on protein structure/function; Has not been previously published as pathogenic or benign to our knowledge

NM_015046.7(SETX):c.6742A>G (p.Arg2248Gly)

Gene: SETX (senataxin; minus strand). Cytogenetic location: 9q34.13.
Variant type: single nucleotide variant.
Coding change: c.6742A>G on transcript NM_015046.7 (MANE Select); coding-DNA position 6742, A replaced by G.
Protein change: p.Arg2248Gly; replaces arginine 2248 with glycine.
Molecular consequence: missense variant.
Genome position (GRCh38, 1-based): chr9:132,278,170, T>C on the plus strand (A>G on the coding strand, the complement: SETX is on the minus strand). VCF-style: chr9-132278170-T-C. GRCh37 (hg19) VCF-style: chr9-135153557-T-C.
Other names: c.6742A>G, p.Arg2248Gly (NM_001351527.2, NM_001351528.2); short protein forms R2248G.
Identifiers: ClinVar variation 3369341 (VCV003369341.1).
Genomic context (GRCh38, chr9:132,278,170, plus strand): 5'-GGAAGAGGCATATGTCTGGATGCATCCTGTACTGAACAGTGAGCTGTAGAATGGGCAGCC[T>C]GCTGATCATGTTGTGTTCTACATTCTCTTCCAGCAGTCTGCAGAAGCGAGCCATCATTGA-3'
Protein context (NP_055861.3, residues 2238-2258): EENVEHNMIS[Arg2248Gly]LPILQLTVQY